The following is an entry in ClinVar:

ClinVar aggregate classification (germline): Uncertain significance. Review status: criteria provided, multiple submitters, no conflicts (2 of 4 stars). 2 submissions from 2 submitters: Uncertain significance (2). Last evaluated 2022-09-12.

Conditions:
Hereditary cancer-predisposing syndrome. Also called: Hereditary neoplastic syndrome; Tumor predisposition; Neoplastic Syndromes, Hereditary; Hereditary Cancer Syndrome. Identifiers: Orphanet 140162, MedGen C0027672, MeSH D009386, MONDO:0015356.
Ataxia-telangiectasia syndrome (AT). Also called: Cerebello-oculocutaneous telangiectasia; ATAXIA-TELANGIECTASIA, COMPLEMENTATION GROUP A; ATAXIA-TELANGIECTASIA, FRESNO VARIANT; Ataxia-telangiectasia, complementation group D; AT, COMPLEMENTATION GROUP C; Immunodeficiency with ataxia telangiectasia. Identifiers: Orphanet 100, MedGen C0004135, MONDO:0008840, OMIM 208900.

Submissions (2):

Ambry Genetics
Classification: Uncertain significance for Hereditary cancer-predisposing syndrome. Last evaluated: 2022-09-12. Review status: criteria provided, single submitter. Criteria: Ambry Variant Classification Scheme 2023. Collection method: clinical testing. Allele origin: germline.
Comment: The p.S569C variant (also known as c.1705A>T), located in coding exon 10 of the ATM gene, results from an A to T substitution at nucleotide position 1705. The serine at codon 569 is replaced by cysteine, an amino acid with dissimilar properties. This amino acid position is conserved. In addition, this alteration is predicted to be tolerated by in silico analysis. Since supporting evidence is limited at this time, the clinical significance of this alteration remains unclear.

Labcorp Genetics (formerly Invitae), Labcorp
Classification: Uncertain significance for Ataxia-telangiectasia syndrome. Last evaluated: 2022-08-12. Review status: criteria provided, single submitter. Criteria: Invitae Variant Classification Sherloc (09022015). Collection method: clinical testing. Allele origin: germline.
Comment: This variant is not present in population databases (gnomAD no frequency). This sequence change replaces serine, which is neutral and polar, with cysteine, which is neutral and slightly polar, at codon 569 of the ATM protein (p.Ser569Cys). This variant has not been reported in the literature in individuals affected with ATM-related conditions. In summary, the available evidence is currently insufficient to determine the role of this variant in disease. Therefore, it has been classified as a Variant of Uncertain Significance. Advanced modeling of protein sequence and biophysical properties (such as structural, functional, and spatial information, amino acid conservation, physicochemical variation, residue mobility, and thermodynamic stability) performed at Invitae indicates that this missense variant is not expected to disrupt ATM protein function.

NM_000051.4(ATM):c.1705A>T (p.Ser569Cys)

Gene: ATM (ATM serine/threonine kinase; plus strand). Cytogenetic location: 11q22.3.
Variant type: single nucleotide variant.
Coding change: c.1705A>T on transcript NM_000051.4 (MANE Select); coding-DNA position 1705, A replaced by T.
Protein change: p.Ser569Cys; replaces serine 569 with cysteine.
Molecular consequence: missense variant.
Genome position (GRCh38, 1-based): chr11:108,251,934, A>T. VCF-style: chr11-108251934-A-T. GRCh37 (hg19) VCF-style: chr11-108122661-A-T.
Other names: c.1705A>T, p.Ser569Cys (NM_001351834.2); short protein forms S569C.
Identifiers: ClinVar variation 1716150 (VCV001716150.8), dbSNP rs2135341813, ClinGen allele CA382535245.